The following is an entry in ClinVar:

ClinVar aggregate classification (germline): Uncertain significance (1 of 4 stars; one submission).

Submission:

Women's Health and Genetics/Laboratory Corporation of America, LabCorp
Classification: Uncertain significance. Last evaluated: 2022-05-13. Review status: criteria provided, single submitter. Criteria: LabCorp Variant Classification Summary - May 2015. Collection method: clinical testing. Allele origin: germline.
Comment: Variant summary: The variant identified by MLPA or other technology involves the duplication of exons 4-6 in the NLGN4X gene, which are the last three exons of the gene. A presumed nomenclature of c.(625+1_626-1)_(*2792_?)dup has been designated for the purposes of this classification. It has been assumed that this is a tandem duplication in direct orientation (Richardson_GIM_2018, Newman_AJHG_2015). The variant was absent in 16086 control chromosomes (gnomAD, Structural Variants dataset). The available data on variant occurrences in the general population are insufficient to allow any conclusion about variant significance. This report does not provide unequivocal conclusions about association of the variant with NLGN4X-Related Disorders. To our knowledge, no experimental evidence demonstrating an impact on protein function has been reported. No clinical diagnostic laboratories have submitted clinical-significance assessments for this variant to ClinVar after 2014. Based on the evidence outlined above, the variant was classified as uncertain significance.

Literature cited by the submitters: PubMed 26777411.

NC_000023.10:g.(?_5808066)_(5827281_5947320)dup

Gene: NLGN4X (neuroligin 4 X-linked; minus strand). Cytogenetic location: Xp22.32.
Variant type: Duplication.
Identifiers: ClinVar variation 1696372 (VCV001696372.1).